The following is an entry in ClinVar:

ClinVar aggregate classification (germline): Uncertain significance (1 of 4 stars; one submission).

Conditions:
Multiple gastrointestinal atresias. Also called: Multiple intestinal atresia; FAMILIAL INTESTINAL POLYATRESIA SYNDROME. Identifiers: Orphanet 2300, MedGen C0220744, MONDO:0009465.

Submission:

Labcorp Genetics (formerly Invitae), Labcorp
Classification: Uncertain significance for Multiple gastrointestinal atresias. Last evaluated: 2021-01-27. Review status: criteria provided, single submitter. Criteria: Invitae Variant Classification Sherloc (09022015). Collection method: clinical testing. Allele origin: germline.
Comment: This sequence change falls in intron 10 of the TTC7A gene. It does not directly change the encoded amino acid sequence of the TTC7A protein. It affects a nucleotide within the consensus splice site of the intron. This variant is not present in population databases (ExAC no frequency). This variant has not been reported in the literature in individuals with TTC7A-related conditions. Nucleotide substitutions within the consensus splice site are a relatively common cause of aberrant splicing (PMID: 17576681, 9536098). Algorithms developed to predict the effect of sequence changes on RNA splicing suggest that this variant is not likely to affect RNA splicing, but this prediction has not been confirmed by published transcriptional studies. In summary, the available evidence is currently insufficient to determine the role of this variant in disease. Therefore, it has been classified as a Variant of Uncertain Significance.

Literature cited by the submitters: PubMed 17576681; PubMed 9536098.

NM_020458.4(TTC7A):c.1288-3C>T

Gene: TTC7A (tetratricopeptide repeat domain 7A; plus strand). Cytogenetic location: 2p21.
Variant type: single nucleotide variant.
Coding change: c.1288-3C>T on transcript NM_020458.4 (MANE Select); 3 bases into the intron before coding-DNA position 1288, C replaced by T.
Molecular consequence: intron variant.
Genome position (GRCh38, 1-based): chr2:47,011,328, C>T. VCF-style: chr2-47011328-C-T. GRCh37 (hg19) VCF-style: chr2-47238467-C-T.
Other names: c.1186-3C>T (NM_001288953.2); c.1288-3C>T (NM_001288951.2); c.226-3C>T (NM_001288955.2).
Identifiers: ClinVar variation 1518705 (VCV001518705.3), dbSNP rs2104485027, ClinGen allele CA2573134832.